The following is an entry in ClinVar:

NM_178012.5(TUBB2B):c.946A>G (p.Ile316Val)

Gene: TUBB2B (tubulin beta 2B class IIb; minus strand). Cytogenetic location: 6p25.2.
Variant type: single nucleotide variant.
Coding change: c.946A>G on transcript NM_178012.5 (MANE Select); coding-DNA position 946, A replaced by G.
Protein change: p.Ile316Val; replaces isoleucine 316 with valine.
Molecular consequence: missense variant.
Genome position (GRCh38, 1-based): chr6:3,225,143, T>C on the plus strand (A>G on the coding strand, the complement: TUBB2B is on the minus strand). VCF-style: chr6-3225143-T-C. GRCh37 (hg19) VCF-style: chr6-3225377-T-C.
Other names: short protein forms I316V.
Identifiers: ClinVar variation 2632067 (VCV002632067.1), dbSNP rs2533617211, ClinGen allele CA362586343.

ClinVar aggregate classification (germline): Uncertain significance (1 of 4 stars; one submission).

Conditions:
TUBB2B-related disorder. Also called: TUBB2B-related condition.

Submission:

PreventionGenetics, part of Exact Sciences
Classification: Uncertain significance for TUBB2B-related condition. Last evaluated: 2022-10-24. Review status: criteria provided, single submitter. Criteria: ACMG Guidelines, 2015. Collection method: clinical testing. Allele origin: germline.
Comment: The TUBB2B c.946A>G variant is predicted to result in the amino acid substitution p.Ile316Val. To our knowledge, this variant has not been reported in the literature or in a large population database, indicating this variant is rare. At this time, the clinical significance of this variant is uncertain due to the absence of conclusive functional and genetic evidence.